The following is an entry in ClinVar:

NM_001267550.2(TTN):c.11312-4310A>T

Gene: TTN (titin; minus strand). Cytogenetic location: 2q31.2.
Variant type: single nucleotide variant.
Coding change: c.11312-4310A>T on transcript NM_001267550.2 (MANE Select); 4310 bases into the intron before coding-DNA position 11312, A replaced by T.
Molecular consequence: intron variant. On other transcripts: missense variant (1).
Genome position (GRCh38, 1-based): chr2:178,746,231, T>A on the plus strand (A>T on the coding strand, the complement: TTN is on the minus strand). VCF-style: chr2-178746231-T-A. GRCh37 (hg19) VCF-style: chr2-179610958-T-A.
Other names: c.16169A>T, p.Lys5390Ile (NM_133379.5); c.10223-4310A>T (NM_003319.4); c.10799-4310A>T (NM_133437.4); c.10598-4310A>T (NM_133432.3); c.10360+6893A>T (NM_133378.4); c.10361-4310A>T (NM_001256850.1); short protein forms K5390I.
Identifiers: ClinVar variation 4887319 (VCV004887319.1).

ClinVar aggregate classification (germline): Uncertain significance (1 of 4 stars; one submission).

gnomAD v4.1: 2 of 1,612,876 alleles (0.00012%); highest among the groups gnomAD compares: Non-Finnish European, 0.00017%; no homozygotes.

Submission:

Women's Health and Genetics/Laboratory Corporation of America, LabCorp
Classification: Uncertain significance. Last evaluated: 2026-06-12. Review status: criteria provided, single submitter. Criteria: LabCorp Variant Classification Summary - May 2015. Collection method: clinical testing. Allele origin: germline.
Comment: Variant summary: TTN c.10360+6893A>T is located at a position not widely known to affect splicing. This variant corresponds to (c.16169A>T, p.Lys5390Ile) in NM_133379.5. Several computational tools predict a significant impact on normal splicing: Two predict the variant strengthens a 3' acceptor site. However, these predictions have yet to be confirmed by functional studies. The variant was absent in 249454 control chromosomes (gnomAD). The available data on variant occurrences in the general population are insufficient to allow any conclusion about variant significance. To our knowledge, no occurrence of c.10360+6893A>T in individuals affected with TTN-related conditions and no experimental evidence demonstrating its impact on protein function have been reported. No submitters have cited clinical-significance assessments for this variant to ClinVar. Based on the evidence outlined above, the variant was classified as uncertain significance.